The following is an entry in ClinVar:

NM_007294.4(BRCA1):c.25G>T (p.Glu9Ter)

Gene: BRCA1 (BRCA1 DNA repair associated; minus strand). Cytogenetic location: 17q21.31.
Variant type: single nucleotide variant.
Coding change: c.25G>T on transcript NM_007294.4 (MANE Select); coding-DNA position 25, G replaced by T.
Protein change: p.Glu9Ter; replaces glutamic acid 9 with a stop codon.
Molecular consequence: nonsense. On other transcripts: 5 prime UTR variant (1), non-coding transcript variant (1).
Genome position (GRCh38, 1-based): chr17:43,124,072, C>A on the plus strand (G>T on the coding strand, the complement: BRCA1 is on the minus strand). VCF-style: chr17-43124072-C-A. GRCh37 (hg19) VCF-style: chr17-41276089-C-A.
Other names: c.-164G>T (NM_001407571.1, NM_001407853.1, NM_001407879.1 and 46 more transcripts); c.25G>T, p.Glu9Ter (NM_001407581.1, NM_001407582.1, NM_001407583.1 and 193 more transcripts); c.-233G>T (NM_001407694.1, NM_001407724.1, NM_001407727.1 and 11 more transcripts); c.-237G>T (NM_001407695.1, NM_001408465.1); c.-378G>T (NM_001407696.1); c.-262G>T (NM_001407697.1, NM_001407846.1, NM_001407920.1); c.-63G>T (NM_001407698.1, NM_001407732.1, NM_001407736.1 and 23 more transcripts); c.-236G>T (NM_001407725.1, NM_001407730.1, NM_001407734.1 and 22 more transcripts); and 8 more; short protein forms E9*.
Identifiers: ClinVar variation 868705 (VCV000868705.4), dbSNP rs1567823437, ClinGen allele CA10602113.
Genomic context (GRCh38, chr17:43,124,072, plus strand): 5'-CTTACCAGATGGGACACTCTAAGATTTTCTGCATAGCATTAATGACATTTTGTACTTCTT[C>A]AACGCGAAGAGCAGATAAATCCATTTCTTTCTGTTCCAATGAACTTTAACACATTAGAAA-3'

ClinVar aggregate classification (germline): Likely pathogenic (1 of 4 stars; one submission).

Conditions:
Breast-ovarian cancer, familial, susceptibility to, 1 (BROVCA1). Also called: BRCA1 Hereditary Breast and Ovarian Cancer; OVARIAN CANCER, SUSCEPTIBILITY TO. Identifiers: Orphanet 145, MedGen C2676676, MONDO:0011450, OMIM 604370. Disease mechanism: loss of function.

Submissions (2):

Genesis Genomics
Classification: Likely pathogenic for Breast-ovarian cancer, familial, susceptibility to, 1. Review status: criteria provided, single submitter. Criteria: ACMG Guidelines, 2015. Collection method: clinical testing. Allele origin: germline. Affected: yes. Observed: 1 variant allele.

Brotman Baty Institute, University of Washington
No classification provided (evidence only). Condition: Breast-ovarian cancer, familial 1. Review status: no classification provided. Collection method: in vitro. Allele origin: not applicable. Functional consequence: functionally_abnormal. Not counted in ClinVar's aggregate classification.
ClinVar note: "not provided" was previously submitted as the classification for the variant. However, the classification appeared to be based only on an observation of functional data so it was converted to no classification on 2025-07-30.